The following is an entry in ClinVar:

NM_006005.3(WFS1):c.2466C>A (p.Leu822=)

Gene: WFS1 (wolframin ER transmembrane glycoprotein; plus strand). Cytogenetic location: 4p16.1.
Variant type: single nucleotide variant.
Coding change: c.2466C>A on transcript NM_006005.3 (MANE Select); coding-DNA position 2466, C replaced by A.
Protein change: p.Leu822=; no amino-acid change (leucine 822 retained).
Molecular consequence: synonymous variant.
Genome position (GRCh38, 1-based): chr4:6,302,261, C>A. VCF-style: chr4-6302261-C-A. GRCh37 (hg19) VCF-style: chr4-6303988-C-A.
Other names: c.2466C>A, p.Leu822= (NM_001145853.1).
Identifiers: ClinVar variation 676617 (VCV000676617.12), dbSNP rs141669724, ClinGen allele CA2839749.
Genomic context (GRCh38, chr4:6,302,261, plus strand): 5'-CGTGCTGCGGGCCAGCAGCGAGTTCAAGAGCGTGCTGCTCAGCCTGCGCCAGGGCAGCCT[C>A]ATCGAGTTCAGCACCATCCTGGAGGGCCGCCTGGGCAGCAAGTGGCCTGTCTTCGAGCTC-3'
Protein context (NP_005996.2, residues 812-832): SVLLSLRQGS[Leu822=]IEFSTILEGR

ClinVar aggregate classification (germline): Benign/Likely benign. Review status: criteria provided, multiple submitters, no conflicts (2 of 4 stars). 5 submissions from 5 submitters: Benign (1); Likely benign (3). 1 of the submissions does not count toward it. Last evaluated 2026-02-02.

Conditions:
Wolfram syndrome 1 (WFS1). Identifiers: Orphanet 3463, MedGen C4551693, MONDO:0009101, OMIM 222300.
WFS1-related disorder. Identifiers: MedGen CN379391, MONDO:0700293.

Allele frequency attached by ClinVar (database versions not stated): ESP Exome Variant Server 0.00008; TOPMed 0.00015; gnomAD 0.00018 and 0.00019; 1000 Genomes Project 0.00020; 1000 Genomes Project 30x 0.00031.

Submissions (5):

Labcorp Genetics (formerly Invitae), Labcorp
Classification: Likely benign. Last evaluated: 2026-02-02. Review status: criteria provided, single submitter. Criteria: Invitae Variant Classification Sherloc (09022015). Collection method: clinical testing. Allele origin: germline.

Blueprint Genetics
Classification: Likely benign. Last evaluated: 2021-04-13. Review status: criteria provided, single submitter. Criteria: ACMG Guidelines, 2015. Collection method: clinical testing. Allele origin: germline.

GeneDx
Classification: Likely benign. Last evaluated: 2018-05-01. Review status: criteria provided, single submitter. Criteria: GeneDx Variant Classification (06012015). Collection method: clinical testing. Allele origin: germline. Affected: yes.
Comment: This variant is considered likely benign or benign based on one or more of the following criteria: it is a conservative change, it occurs at a poorly conserved position in the protein, it is predicted to be benign by multiple in silico algorithms, and/or has population frequency not consistent with disease.

Clinical Genomics, Uppaluri K&H Personalized Medicine Clinic
Classification: Benign for Wolfram syndrome 1. Review status: criteria provided, single submitter. Criteria: K & H Uppaluri Personalized Medicine Clinic Variant Classification & Assertion Criteria_Updated V.1. Collection method: research. Allele origin: unknown. Inheritance: Autosomal recessive inheritance.
Comment: Potent mutations in WFS1 gene are associated with Wolfram's syndrome, an autosomal recessive condition, which cause diabetes mellitus, diabetes insipidus, deafness and optic atrophy. However no sufficient evidence is found to ascertain the role of this particular variant rs141669724 in Wolfram's syndrome yet.

PreventionGenetics, part of Exact Sciences
Classification: Likely benign for WFS1-related condition. Last evaluated: 2019-08-28. Review status: no assertion criteria provided. Collection method: clinical testing. Allele origin: germline. Not counted in ClinVar's aggregate classification.
Comment: This variant is classified as likely benign based on ACMG/AMP sequence variant interpretation guidelines (Richards et al. 2015 PMID: 25741868, with internal and published modifications).

Literature cited by the submitters: PubMed 20738327 (cited by Clinical Genomics, Uppaluri K&H Personalized Medicine Clinic); PubMed 33879153 (cited by Clinical Genomics, Uppaluri K&H Personalized Medicine Clinic); PubMed 12955714 (cited by Clinical Genomics, Uppaluri K&H Personalized Medicine Clinic); PubMed 18060660 (cited by Clinical Genomics, Uppaluri K&H Personalized Medicine Clinic); PubMed 20301750 (cited by Clinical Genomics, Uppaluri K&H Personalized Medicine Clinic); PubMed 17603484 (cited by Clinical Genomics, Uppaluri K&H Personalized Medicine Clinic).